The following is an entry in ClinVar:

NM_001243133.2(NLRP3):c.104G>T (p.Gly35Val)

Gene: NLRP3 (NLR family pyrin domain containing 3; plus strand). Cytogenetic location: 1q44.
Variant type: single nucleotide variant.
Coding change: c.104G>T on transcript NM_001243133.2 (MANE Select); coding-DNA position 104, G replaced by T.
Protein change: p.Gly35Val; replaces glycine 35 with valine.
Molecular consequence: missense variant.
Genome position (GRCh38, 1-based): chr1:247,418,904, G>T. VCF-style: chr1-247418904-G-T. GRCh37 (hg19) VCF-style: chr1-247582206-G-T.
Other names: c.104G>T, p.Gly35Val (NM_001079821.3, NM_001127461.3, NM_001127462.3 and 1 more transcripts); c.110G>T, p.Gly37Val (NM_004895.5); short protein forms G35V, G37V.
Identifiers: ClinVar variation 2750690 (VCV002750690.3), dbSNP rs1343071282, ClinGen allele CA345552270.
Genomic context (GRCh38, chr1:247,418,904, plus strand): 5'-TGGAGGATGTGGACTTGAAGAAATTTAAGATGCACTTAGAGGACTATCCTCCCCAGAAGG[G>T]CTGCATCCCCCTCCCGAGGGGTCAGACAGAGAAGGCAGACCATGTGGATCTAGCCACGCT-3'
Protein context (NP_001230062.1, residues 25-45): MHLEDYPPQK[Gly35Val]CIPLPRGQTE

ClinVar aggregate classification (germline): Uncertain significance (1 of 4 stars; one submission).

Conditions:
Cryopyrin associated periodic syndrome (CAPS). Identifiers: Orphanet 208650, MedGen C2316212, MONDO:0016168.

Allele frequency attached by ClinVar (database versions not stated): TOPMed 0.00001.

Submission:

Labcorp Genetics (formerly Invitae), Labcorp
Classification: Uncertain significance for Cryopyrin associated periodic syndrome. Last evaluated: 2024-01-13. Review status: criteria provided, single submitter. Criteria: Invitae Variant Classification Sherloc (09022015). Collection method: clinical testing. Allele origin: germline.
Comment: This sequence change replaces glycine, which is neutral and non-polar, with valine, which is neutral and non-polar, at codon 37 of the NLRP3 protein (p.Gly37Val). This variant is not present in population databases (gnomAD no frequency). This variant has not been reported in the literature in individuals affected with NLRP3-related conditions. Advanced modeling of protein sequence and biophysical properties (such as structural, functional, and spatial information, amino acid conservation, physicochemical variation, residue mobility, and thermodynamic stability) has been performed at Invitae for this missense variant, however the output from this modeling did not meet the statistical confidence thresholds required to predict the impact of this variant on NLRP3 protein function. In summary, the available evidence is currently insufficient to determine the role of this variant in disease. Therefore, it has been classified as a Variant of Uncertain Significance.